The following is an entry in ClinVar:

ClinVar aggregate classification (germline): Uncertain significance (1 of 4 stars; one submission).

Conditions:
Familial hemiplegic migraine. Identifiers: MedGen C0338484, MONDO:0000700.

Allele frequency attached by ClinVar (database versions not stated): gnomAD exomes below 0.00001.
gnomAD v4.1: 7 of 1,614,198 alleles (0.00043%); highest among the groups gnomAD compares: Non-Finnish European, 0.00059%; no homozygotes.

Submission:

Labcorp Genetics (formerly Invitae), Labcorp
Classification: Uncertain significance for Familial hemiplegic migraine. Last evaluated: 2023-03-09. Review status: criteria provided, single submitter. Criteria: Invitae Variant Classification Sherloc (09022015). Collection method: clinical testing. Allele origin: germline.
Comment: This variant has not been reported in the literature in individuals affected with ATP1A2-related conditions. This variant is present in population databases (no rsID available, gnomAD 0.0009%). This sequence change replaces glycine, which is neutral and non-polar, with serine, which is neutral and polar, at codon 735 of the ATP1A2 protein (p.Gly735Ser). Advanced modeling of protein sequence and biophysical properties (such as structural, functional, and spatial information, amino acid conservation, physicochemical variation, residue mobility, and thermodynamic stability) performed at Invitae indicates that this missense variant is expected to disrupt ATP1A2 protein function. In summary, the available evidence is currently insufficient to determine the role of this variant in disease. Therefore, it has been classified as a Variant of Uncertain Significance.

NM_000702.4(ATP1A2):c.2203G>A (p.Gly735Ser)

Gene: ATP1A2 (ATPase Na+/K+ transporting subunit alpha 2; plus strand). Cytogenetic location: 1q23.2.
Variant type: single nucleotide variant.
Coding change: c.2203G>A on transcript NM_000702.4 (MANE Select); coding-DNA position 2203, G replaced by A.
Protein change: p.Gly735Ser; replaces glycine 735 with serine.
Molecular consequence: missense variant.
Genome position (GRCh38, 1-based): chr1:160,135,521, G>A. VCF-style: chr1-160135521-G-A. GRCh37 (hg19) VCF-style: chr1-160105311-G-A.
Other names: short protein forms G735S.
Identifiers: ClinVar variation 2844493 (VCV002844493.3), dbSNP rs1483752429, ClinGen allele CA343249201.
Genomic context (GRCh38, chr1:160,135,521, plus strand): 5'-GGGGTGAACGACTCCCCTGCATTGAAGAAGGCTGACATTGGCATTGCCATGGGCATCTCT[G>A]GCTCTGACGTCTCTAAGCAGGCAGCCGACATGATCCTGCTGGATGACAACTTTGCCTCCA-3'
Protein context (NP_000693.1, residues 725-745): ADIGIAMGIS[Gly735Ser]SDVSKQAADM